The following is an entry in ClinVar:

NM_031935.3(HMCN1):c.14591A>G (p.Asn4864Ser)

Gene: HMCN1 (hemicentin 1; plus strand). Cytogenetic location: 1q31.1.
Variant type: single nucleotide variant.
Coding change: c.14591A>G on transcript NM_031935.3 (MANE Select); coding-DNA position 14591, A replaced by G.
Protein change: p.Asn4864Ser; replaces asparagine 4864 with serine.
Molecular consequence: missense variant.
Genome position (GRCh38, 1-based): chr1:186,145,906, A>G. VCF-style: chr1-186145906-A-G. GRCh37 (hg19) VCF-style: chr1-186115038-A-G.
Other names: short protein forms N4864S.
Identifiers: ClinVar variation 1353098 (VCV001353098.6), dbSNP rs1158025720, ClinGen allele CA343918176.

ClinVar aggregate classification (germline): Uncertain significance (1 of 4 stars; one submission).

Allele frequency attached by ClinVar (database versions not stated): TOPMed below 0.00001; gnomAD 0.00001.
gnomAD v4.1: 2 of 1,613,900 alleles (0.00012%); highest among the groups gnomAD compares: African/African-American, 0.0013%; no homozygotes.

Submission:

Labcorp Genetics (formerly Invitae), Labcorp
Classification: Uncertain significance. Last evaluated: 2021-11-23. Review status: criteria provided, single submitter. Criteria: Invitae Variant Classification Sherloc (09022015). Collection method: clinical testing. Allele origin: germline.
Comment: This variant is present in population databases (no rsID available, gnomAD 0.01%). In summary, the available evidence is currently insufficient to determine the role of this variant in disease. Therefore, it has been classified as a Variant of Uncertain Significance. Algorithms developed to predict the effect of missense changes on protein structure and function output the following: SIFT: "Tolerated"; PolyPhen-2: "Probably Damaging"; Align-GVGD: "Class C0". The serine amino acid residue is found in multiple mammalian species, which suggests that this missense change does not adversely affect protein function. This variant has not been reported in the literature in individuals affected with HMCN1-related conditions. This sequence change replaces asparagine, which is neutral and polar, with serine, which is neutral and polar, at codon 4864 of the HMCN1 protein (p.Asn4864Ser).